The following is an entry in ClinVar:

NM_024503.5(HIVEP3):c.3408G>A (p.Lys1136=)

Gene: HIVEP3 (HIVEP zinc finger 3; minus strand). Cytogenetic location: 1p34.2.
Variant type: single nucleotide variant.
Coding change: c.3408G>A on transcript NM_024503.5 (MANE Select); coding-DNA position 3408, G replaced by A.
Protein change: p.Lys1136=; no amino-acid change (lysine 1136 retained).
Molecular consequence: synonymous variant.
Genome position (GRCh38, 1-based): chr1:41,581,390, C>T on the plus strand (G>A on the coding strand, the complement: HIVEP3 is on the minus strand). VCF-style: chr1-41581390-C-T. GRCh37 (hg19) VCF-style: chr1-42047061-C-T.
Other names: c.3408G>A, p.Lys1136= (NM_001127714.3).
Identifiers: ClinVar variation 3034054 (VCV003034054.2), dbSNP rs200163948, ClinGen allele CA797858.
Genomic context (GRCh38, chr1:41,581,390, plus strand): 5'-TGGCTCATGCTGCACGAGATGCTGGAAGGAGAAAAGGGAGACTGGTGGGGGCAGGTATGG[C>T]TTCTCATGCAGGGGTGTCTGGGCAACGGGGTGGTGGAACACTTGCAGTGCTTCTGTGTAG-3'
Protein context (NP_078779.2, residues 1126-1146): HPVAQTPLHE[Lys1136=]PYLPPPVSLF

ClinVar aggregate classification (germline): Likely benign (0 of 4 stars; one submission).

Conditions:
HIVEP3-related disorder. Also called: HIVEP3-related condition.

Allele frequency attached by ClinVar (database versions not stated): ExAC 0.00004; gnomAD 0.00007; TOPMed 0.00007; 1000 Genomes Project 30x 0.00016; 1000 Genomes Project 0.00020.
gnomAD v4.1: 125 of 1,609,934 alleles (0.0078%); highest among the groups gnomAD compares: Middle Eastern, 0.12%; no homozygotes.

Submission:

PreventionGenetics, part of Exact Sciences
Classification: Likely benign for HIVEP3-related condition. Last evaluated: 2019-06-10. Review status: no assertion criteria provided. Collection method: clinical testing. Allele origin: germline.
Comment: This variant is classified as likely benign based on ACMG/AMP sequence variant interpretation guidelines (Richards et al. 2015 PMID: 25741868, with internal and published modifications).